The following is an entry in ClinVar:

ClinVar aggregate classification (germline): Pathogenic (1 of 4 stars; one submission).

Submission:

Labcorp Genetics (formerly Invitae), Labcorp
Classification: Pathogenic. Last evaluated: 2023-08-01. Review status: criteria provided, single submitter. Criteria: Invitae Variant Classification Sherloc (09022015). Collection method: clinical testing. Allele origin: germline.
Comment: For these reasons, this variant has been classified as Pathogenic. This variant disrupts a region of the SAR1B protein in which other variant(s) (p.Ser179Arg) have been determined to be pathogenic (PMID: 17945526). This suggests that this is a clinically significant region of the protein, and that variants that disrupt it are likely to be disease-causing. This variant has not been reported in the literature in individuals affected with SAR1B-related conditions. This variant is a gross deletion of the genomic region encompassing exon(s) 6-8 of the SAR1B gene, which includes the termination codon. This deletion extends beyond the assayed region for this gene and therefore may encompass additional genes. While this deletion is not anticipated to lead to nonsense mediated decay, it is expected to alter mRNA translation or result in a truncated protein product.

Literature cited by the submitters: PubMed 17945526.

NC_000005.9:g.(?_133942640)_(133945384_?)del

Gene: SAR1B (secretion associated Ras related GTPase 1B; minus strand). Cytogenetic location: 5q31.1.
Variant type: Deletion.
Identifiers: ClinVar variation 2423511 (VCV002423511.4).